The following is an entry in ClinVar:

ClinVar aggregate classification (germline): Uncertain significance (1 of 4 stars; one submission).

Submission:

GeneDx
Classification: Uncertain significance. Last evaluated: 2019-11-04. Review status: criteria provided, single submitter. Criteria: GeneDx Variant Classification Process June 2021. Collection method: clinical testing. Allele origin: germline. Affected: yes.
Comment: Not observed in large population cohorts (Lek et al., 2016); In silico analysis, which includes protein predictors and evolutionary conservation, supports that this variant does not alter protein structure/function; Has not been previously published as pathogenic or benign to our knowledge

NM_181332.3(NLGN4X):c.712G>A (p.Val238Met)

Gene: NLGN4X (neuroligin 4 X-linked; minus strand). Cytogenetic location: Xp22.32.
Variant type: single nucleotide variant.
Coding change: c.712G>A on transcript NM_181332.3 (MANE Select); coding-DNA position 712, G replaced by A.
Protein change: p.Val238Met; replaces valine 238 with methionine.
Molecular consequence: missense variant.
Genome position (GRCh38, 1-based): chrX:5,909,153, C>T on the plus strand (G>A on the coding strand, the complement: NLGN4X is on the minus strand). VCF-style: chrX-5909153-C-T. GRCh37 (hg19) VCF-style: chrX-5827194-C-T.
Other names: c.712G>A, p.Val238Met (NM_001282145.2, NM_001282146.2, NM_020742.4); short protein forms V238M.
Identifiers: ClinVar variation 1309805 (VCV001309805.2), dbSNP rs2146761313, ClinGen allele CA412012016.